The following is an entry in ClinVar:

NM_015559.3(SETBP1):c.3977C>T (p.Ser1326Phe)

Gene: SETBP1 (SET binding protein 1; plus strand). Cytogenetic location: 18q12.3.
Variant type: single nucleotide variant.
Coding change: c.3977C>T on transcript NM_015559.3 (MANE Select); coding-DNA position 3977, C replaced by T.
Protein change: p.Ser1326Phe; replaces serine 1326 with phenylalanine.
Molecular consequence: missense variant.
Genome position (GRCh38, 1-based): chr18:44,953,317, C>T. VCF-style: chr18-44953317-C-T. GRCh37 (hg19) VCF-style: chr18-42533282-C-T.
Other names: c.3977C>T, p.Ser1326Phe (NM_001410862.1, NM_001379141.1, NM_001379142.1); short protein forms S1326F.
Identifiers: ClinVar variation 3665630 (VCV003665630.2).

ClinVar aggregate classification (germline): Uncertain significance (1 of 4 stars; one submission).

gnomAD v4.1: 4 of 1,613,798 alleles (0.00025%); highest among the groups gnomAD compares: South Asian, 0.0044%; no homozygotes.

Submission:

Labcorp Genetics (formerly Invitae), Labcorp
Classification: Uncertain significance. Last evaluated: 2025-01-23. Review status: criteria provided, single submitter. Criteria: Invitae Variant Classification Sherloc (09022015). Collection method: clinical testing. Allele origin: germline.
Comment: This sequence change replaces serine, which is neutral and polar, with phenylalanine, which is neutral and non-polar, at codon 1326 of the SETBP1 protein (p.Ser1326Phe). The frequency data for this variant in the population databases is considered unreliable, as metrics indicate poor data quality at this position in the gnomAD database. This variant has not been reported in the literature in individuals affected with SETBP1-related conditions. Invitae Evidence Modeling of protein sequence and biophysical properties (such as structural, functional, and spatial information, amino acid conservation, physicochemical variation, residue mobility, and thermodynamic stability) indicates that this missense variant is not expected to disrupt SETBP1 protein function with a negative predictive value of 80%. In summary, the available evidence is currently insufficient to determine the role of this variant in disease. Therefore, it has been classified as a Variant of Uncertain Significance.